The following is an entry in ClinVar:

ClinVar aggregate classification (germline): Pathogenic (1 of 4 stars; one submission).

Conditions:
Fanconi-Bickel syndrome (FBS). Also called: FANCONI SYNDROME WITH INTESTINAL MALABSORPTION AND GALACTOSE INTOLERANCE; HEPATIC GLYCOGENOSIS WITH AMINO ACIDURIA AND GLUCOSURIA; HEPATIC GLYCOGENOSIS WITH FANCONI NEPHROPATHY; HEPATORENAL GLYCOGENOSIS WITH RENAL FANCONI SYNDROME; Glycogen storage disease due to GLUT2 deficiency; PSEUDO-PHLORIZIN DIABETES. Identifiers: Orphanet 2088, MedGen C3495427, MONDO:0009216, OMIM 227810.

Submission:

3billion
Classification: Pathogenic for Fanconi-Bickel syndrome. Last evaluated: 2022-05-22. Review status: criteria provided, single submitter. Criteria: ACMG Guidelines, 2015. Collection method: clinical testing. Allele origin: germline. Affected: yes. Observed: 1 homozygote.
Comment: The variant is not observed in the gnomAD v2.1.1 dataset. Stop-gained (nonsense): predicted to result in a loss or disruption of normal protein function through nonsense-mediated decay (NMD) or protein truncation. Multiple pathogenic variants are reported downstream of the variant. Therefore, this variant is classified as pathogenic according to the recommendation of ACMG/AMP guideline.

NM_000340.2(SLC2A2):c.351G>A (p.Trp117Ter)

Gene: SLC2A2 (solute carrier family 2 member 2; minus strand). Cytogenetic location: 3q26.2.
Variant type: single nucleotide variant.
Coding change: c.351G>A on transcript NM_000340.2 (MANE Select); coding-DNA position 351, G replaced by A.
Protein change: p.Trp117Ter; replaces tryptophan 117 with a stop codon.
Molecular consequence: nonsense. On other transcripts: 5 prime UTR variant (1), intron variant (1).
Genome position (GRCh38, 1-based): chr3:171,014,489, C>T on the plus strand (G>A on the coding strand, the complement: SLC2A2 is on the minus strand). VCF-style: chr3-171014489-C-T. GRCh37 (hg19) VCF-style: chr3-170732278-C-T.
Other names: c.-44G>A (NM_001278659.2); c.14+4042G>A (NM_001278658.2); short protein forms W117*.
Identifiers: ClinVar variation 1687276 (VCV001687276.1), dbSNP rs753980727, ClinGen allele CA355492561.